The following is an entry in ClinVar:

NM_000059.4(BRCA2):c.2954_2957del (p.Lys985fs)

Gene: BRCA2 (BRCA2 DNA repair associated; plus strand). Cytogenetic location: 13q13.1.
Variant type: Deletion.
Coding change: c.2954_2957del on transcript NM_000059.4 (MANE Select); coding-DNA positions 2954 to 2957, 4 bases deleted (AAAA; older notation c.2954_2957delAAAA).
Protein change: p.Lys985fs; shifts the reading frame from lysine 985.
Molecular consequence: frameshift variant.
Genome position (GRCh38, 1-based): chr13:32,337,309-32,337,312, AAAA deleted; deleting any 4 consecutive bases within chr13:32,337,306-32,337,312 gives the same sequence; the c. name uses the placement nearest the transcript's 3' end. VCF-style (leftmost placement, unchanged base first): chr13-32337305-GAAAA-G. GRCh37 (hg19) VCF-style: chr13-32911442-GAAAA-G.
Other names: 3182_3185delAAAA; short protein forms K985fs.
Identifiers: ClinVar variation 266728 (VCV000266728.7), dbSNP rs80359365, ClinGen allele CA10589180.

ClinVar aggregate classification (germline): Pathogenic. Review status: reviewed by expert panel (3 of 4 stars). 2 submissions from 2 submitters: Pathogenic (1). 1 of the submissions does not count toward it. Last evaluated 2016-10-18.

Conditions:
Breast-ovarian cancer, familial, susceptibility to, 2 (BROVCA2). Also called: BRCA2 Hereditary Breast and Ovarian Cancer. Identifiers: Orphanet 145, MedGen C2675520, MONDO:0012933, OMIM 612555. Disease mechanism: loss of function.

Submissions (2):

Evidence-based Network for the Interpretation of Germline Mutant Alleles (ENIGMA)
Classification: Pathogenic for Breast-ovarian cancer, familial, susceptibility to, 2. Last evaluated: 2016-10-18. Review status: reviewed by expert panel. Criteria: ENIGMA BRCA1/2 Classification Criteria (2015). Collection method: curation. Allele origin: germline.
Comment: Variant allele predicted to encode a truncated non-functional protein.

Consortium of Investigators of Modifiers of BRCA1/2 (CIMBA), c/o University of Cambridge
Classification: Pathogenic for Breast-ovarian cancer, familial, susceptibility to, 2. Last evaluated: 2015-10-02. Review status: criteria provided, single submitter. Criteria: CIMBA Mutation Classification guidelines May 2016. Collection method: clinical testing. Allele origin: germline. Not counted in ClinVar's aggregate classification.